The following is an entry in ClinVar:

NM_005708.5(GPC6):c.548G>T (p.Ser183Ile)

Genes: GPC6 (glypican 6; plus strand), GPC6-AS2 (GPC6 antisense RNA 2; minus strand). Cytogenetic location: 13q31.3.
Variant type: single nucleotide variant.
Coding change: c.548G>T on transcript NM_005708.5 (MANE Select); coding-DNA position 548, G replaced by T.
Protein change: p.Ser183Ile; replaces serine 183 with isoleucine.
Molecular consequence: missense variant.
Genome position (GRCh38, 1-based): chr13:93,830,382, G>T. VCF-style: chr13-93830382-G-T. GRCh37 (hg19) VCF-style: chr13-94482635-G-T.
Other names: short protein forms S183I.
Identifiers: ClinVar variation 1425998 (VCV001425998.8), dbSNP rs778531720, ClinGen allele CA7016879.

ClinVar aggregate classification (germline): Uncertain significance (1 of 4 stars; one submission).

gnomAD v4.1: 4 of 1,613,928 alleles (0.00025%); highest among the groups gnomAD compares: East Asian, 0.0089%; no homozygotes.

Submission:

Labcorp Genetics (formerly Invitae), Labcorp
Classification: Uncertain significance. Last evaluated: 2022-07-05. Review status: criteria provided, single submitter. Criteria: Invitae Variant Classification Sherloc (09022015). Collection method: clinical testing. Allele origin: germline.
Comment: In summary, the available evidence is currently insufficient to determine the role of this variant in disease. Therefore, it has been classified as a Variant of Uncertain Significance. Algorithms developed to predict the effect of missense changes on protein structure and function (SIFT, PolyPhen-2, Align-GVGD) all suggest that this variant is likely to be tolerated. ClinVar contains an entry for this variant (Variation ID: 1425998). This variant has not been reported in the literature in individuals affected with GPC6-related conditions. This variant is present in population databases (rs778531720, gnomAD 0.02%). This sequence change replaces serine, which is neutral and polar, with isoleucine, which is neutral and non-polar, at codon 183 of the GPC6 protein (p.Ser183Ile).